The following is an entry in ClinVar:

ClinVar aggregate classification (germline): Uncertain significance (1 of 4 stars; one submission).

Conditions:
Primary ciliary dyskinesia. Also called: Ciliary dyskinesia. Identifiers: Orphanet 244, MedGen C0008780, MONDO:0016575, HP:0012265.

gnomAD v4.1: 1 of 152,180 alleles (0.00066%); highest among the groups gnomAD compares: Non-Finnish European, 0.0015%; no homozygotes.

Submission:

Department of Human Genetics, Hannover Medical School
Classification: Uncertain significance for Primary Ciliary Dyskinesia. Last evaluated: 2026-04-01. Review status: criteria provided, single submitter. Criteria: ACMG Guidelines, 2015. Collection method: research. Allele origin: germline. Affected: no.
Comment: Classification performed by HerediClassify using the following criteria:['PM1_supporting: Variant in mutational hotspot.', 'PM2_supporting: Variant occures does not occur as homozygous in gnomAD.', "PP4_moderate: The PICADAR socre of 10.0 exceeds threshold of 8 achieving 'strong' evidence strength."]

NM_012472.6(DNAAF11):c.429+781C>A

Gene: DNAAF11 (dynein axonemal assembly factor 11; minus strand). Cytogenetic location: 8q24.22.
Variant type: single nucleotide variant.
Coding change: c.429+781C>A on transcript NM_012472.6 (MANE Select); 781 bases into the intron after coding-DNA position 429, C replaced by A.
Molecular consequence: intron variant.
Genome position (GRCh38, 1-based): chr8:132,637,154, G>T on the plus strand (C>A on the coding strand, the complement: DNAAF11 is on the minus strand). VCF-style: chr8-132637154-G-T. GRCh37 (hg19) VCF-style: chr8-133649400-G-T.
Other names: c.183+781C>A (NM_001321962.2); c.429+781C>A (NM_001321961.2); c.69+781C>A (NM_001321966.2, NM_001321963.2, NM_001321964.2 and 1 more transcripts).
Identifiers: ClinVar variation 4880135 (VCV004880135.1).